The following is an entry in ClinVar:

NM_023014.1(PRAMEF2):c.366G>T (p.Leu122=)

Genes: PRAMEF2 (PRAME family member 2; plus strand), LOC126805622 (CDK7 strongly-dependent group 2 enhancer GRCh37_chr1:12919058-12920257; plus strand). Cytogenetic location: 1p36.21.
Variant type: single nucleotide variant.
Coding change: c.366G>T on transcript NM_023014.1 (MANE Select); coding-DNA position 366, G replaced by T.
Protein change: p.Leu122=; no amino-acid change (leucine 122 retained).
Molecular consequence: synonymous variant.
Genome position (GRCh38, 1-based): chr1:12,859,771, G>T. VCF-style: chr1-12859771-G-T. GRCh37 (hg19) VCF-style: chr1-12919626-G-T.
Identifiers: ClinVar variation 3025476 (VCV003025476.22), dbSNP rs771803377, ClinGen allele CA608001.
Genomic context (GRCh38, chr1:12,859,771, plus strand): 5'-GCTGGATTTGCGGGATGTTGATGAGAATTTCTGGGCCAGATGGCCTGGAGCCTGGGCCCT[G>T]TCCTGCTTCCCAGAGGCCATGAGTAAGAGGCAGACAGCAGAGGACTGTCCAAGGACGGGA-3'
Protein context (NP_075390.1, residues 112-132): FWARWPGAWA[Leu122=]SCFPEAMSKR

ClinVar aggregate classification (germline): Likely benign (1 of 4 stars; one submission).

Allele frequency attached by ClinVar (database versions not stated): ExAC 0.00191.

Submission:

CeGaT Center for Human Genetics Tuebingen
Classification: Likely benign. Last evaluated: 2025-10-01. Review status: criteria provided, single submitter. Criteria: CeGaT Center For Human Genetics Tuebingen Variant Classification Criteria Version 2. Collection method: clinical testing. Allele origin: germline. Affected: yes. Observed: 2 variant alleles.
Comment: PRAMEF2: BP4, BP7